The following is an entry in ClinVar:

NM_017617.5(NOTCH1):c.361A>G (p.Thr121Ala)

Gene: NOTCH1 (notch receptor 1; minus strand). Cytogenetic location: 9q34.3.
Variant type: single nucleotide variant.
Coding change: c.361A>G on transcript NM_017617.5 (MANE Select); coding-DNA position 361, A replaced by G.
Protein change: p.Thr121Ala; replaces threonine 121 with alanine.
Molecular consequence: missense variant.
Genome position (GRCh38, 1-based): chr9:136,523,759, T>C on the plus strand (A>G on the coding strand, the complement: NOTCH1 is on the minus strand). VCF-style: chr9-136523759-T-C. GRCh37 (hg19) VCF-style: chr9-139418211-T-C.
Other names: c.361A>G, p.Thr121Ala (LRG_1122t1); short protein forms T121A.
Identifiers: ClinVar variation 134943 (VCV000134943.1), dbSNP rs587778570, ClinGen allele CA161213.

ClinVar aggregate classification (germline): not provided (0 of 4 stars; one submission).

Allele frequency attached by ClinVar (database versions not stated): gnomAD exomes 0.00001; ExAC 0.00002.
gnomAD v4.1: 5 of 1,611,316 alleles (0.00031%); highest among the groups gnomAD compares: East Asian, 0.011%; no homozygotes.

Submission:

ITMI
No classification provided. Condition: AllHighlyPenetrant. Last evaluated: 2013-09-19. Review status: no classification provided. Collection method: reference population. Allele origin: germline.
Comment: Please see associated publication for description of ethnicities

Literature cited by the submitters: PubMed 24728327.